The following is an entry in ClinVar:

ClinVar aggregate classification (germline): Pathogenic (1 of 4 stars; one submission).

Conditions:
Developmental and epileptic encephalopathy 94 (DEE94). Also called: CHD2-Related Neurodevelopmental Disorders; Epileptic encephalopathy, childhood-onset. Identifiers: Orphanet 1942, Orphanet 2382, MedGen C3809278, MONDO:0014150, OMIM 615369.

Submission:

Labcorp Genetics (formerly Invitae), Labcorp
Classification: Pathogenic for Developmental and epileptic encephalopathy 94. Last evaluated: 2023-06-09. Review status: criteria provided, single submitter. Criteria: Invitae Variant Classification Sherloc (09022015). Collection method: clinical testing. Allele origin: germline.
Comment: This variant has not been reported in the literature in individuals affected with CHD2-related conditions. For these reasons, this variant has been classified as Pathogenic. This variant is not present in population databases (gnomAD no frequency). This sequence change creates a premature translational stop signal (p.Ala1330Glyfs*3) in the CHD2 gene. It is expected to result in an absent or disrupted protein product. Loss-of-function variants in CHD2 are known to be pathogenic (PMID: 23708187, 24207121).

Literature cited by the submitters: PubMed 23708187; PubMed 24207121.

NM_001271.4(CHD2):c.3987_3988dup (p.Ala1330fs)

Gene: CHD2 (chromodomain helicase DNA binding protein 2; plus strand). Cytogenetic location: 15q26.1.
Variant type: Duplication.
Coding change: c.3987_3988dup on transcript NM_001271.4 (MANE Select); coding-DNA positions 3987 to 3988, 2 bases duplicated (GG; older notation c.3987_3988dupGG).
Protein change: p.Ala1330fs; shifts the reading frame from alanine 1330.
Molecular consequence: frameshift variant.
Genome position (GRCh38, 1-based): chr15:92,998,600-92,998,601, GG duplicated; duplicating any 2 consecutive bases within chr15:92,998,597-92,998,601 gives the same sequence; the c. name uses the placement nearest the transcript's 3' end. VCF-style (leftmost placement, unchanged base first): chr15-92998596-A-AGG. GRCh37 (hg19) VCF-style: chr15-93541826-A-AGG.
Other names: short protein forms A1330fs.
Identifiers: ClinVar variation 2702507 (VCV002702507.3), dbSNP rs2505594000, ClinGen allele CA2697549415.